The following is an entry in ClinVar:

ClinVar aggregate classification (germline): Uncertain significance (1 of 4 stars; one submission).

gnomAD v4.1: 1 of 1,614,136 alleles (0.000062%); highest among the groups gnomAD compares: East Asian, 0.0022%; no homozygotes.

Submission:

Labcorp Genetics (formerly Invitae), Labcorp
Classification: Uncertain significance. Last evaluated: 2025-03-13. Review status: criteria provided, single submitter. Criteria: Invitae Variant Classification Sherloc (09022015). Collection method: clinical testing. Allele origin: germline.
Comment: This sequence change replaces isoleucine, which is neutral and non-polar, with valine, which is neutral and non-polar, at codon 212 of the TRIP13 protein (p.Ile212Val). This variant is not present in population databases (gnomAD no frequency). This variant has not been reported in the literature in individuals affected with TRIP13-related conditions. An algorithm developed to predict the effect of missense changes on protein structure and function (PolyPhen-2) suggests that this variant is likely to be disruptive. In summary, the available evidence is currently insufficient to determine the role of this variant in disease. Therefore, it has been classified as a Variant of Uncertain Significance.

NM_004237.4(TRIP13):c.634A>G (p.Ile212Val)

Gene: TRIP13 (thyroid hormone receptor interactor 13; plus strand). Cytogenetic location: 5p15.33.
Variant type: single nucleotide variant.
Coding change: c.634A>G on transcript NM_004237.4 (MANE Select); coding-DNA position 634, A replaced by G.
Protein change: p.Ile212Val; replaces isoleucine 212 with valine.
Molecular consequence: missense variant.
Genome position (GRCh38, 1-based): chr5:907,155, A>G. VCF-style: chr5-907155-A-G. GRCh37 (hg19) VCF-style: chr5-907270-A-G.
Other names: c.634A>G, p.Ile212Val (NM_001166260.2); short protein forms I212V.
Identifiers: ClinVar variation 4715054 (VCV004715054.1).